The following is an entry in ClinVar:

NM_001145308.5(LRTOMT):c.426T>A (p.Cys142Ter)

Genes: ANAPC15 (anaphase promoting complex subunit 15; minus strand), LRTOMT (leucine rich transmembrane and O-methyltransferase domain containing; plus strand), TOMT (transmembrane O-methyltransferase; plus strand). Cytogenetic location: 11q13.4.
Variant type: single nucleotide variant.
Coding change: c.426T>A on transcript NM_001145308.5; coding-DNA position 426, T replaced by A.
Protein change: p.Cys142Ter; replaces cysteine 142 with a stop codon.
Molecular consequence: nonsense. On other transcripts: 3 prime UTR variant (3), non-coding transcript variant (1), intron variant (7).
Genome position (GRCh38, 1-based): chr11:72,107,990, T>A. VCF-style: chr11-72107990-T-A. GRCh37 (hg19) VCF-style: chr11-71819036-T-A.
Other names: c.327T>A, p.Cys109Ter (NM_001393500.2); c.426T>A, p.Cys142Ter (NM_001145309.4); c.306T>A, p.Cys102Ter (NM_001145310.4); c.*829A>T (NM_001393443.1, NM_001393444.1, NM_001393445.1); c.64-385A>T (NM_001393459.1); c.319-385A>T (NM_001393430.1, NM_001393429.1, NM_001393428.1 and 3 more transcripts); short protein forms C102*, C109*, C142*.
Identifiers: ClinVar variation 3601219 (VCV003601219.1).

ClinVar aggregate classification (germline): Pathogenic (1 of 4 stars; one submission).

Conditions:
Autosomal recessive nonsyndromic hearing loss 63. Identifiers: Orphanet 90636, MedGen C1969621, MONDO:0012670, OMIM 611451.

Submission:

Institute of Rare Diseases, West China Hospital, Sichuan University
Classification: Pathogenic for Autosomal recessive nonsyndromic hearing loss 63. Last evaluated: 2025-01-09. Review status: criteria provided, single submitter. Criteria: ClinGen HL ACMG Specifications v1. Collection method: research. Allele origin: germline. Affected: yes.
Comment: PVS1;PM3;PM2_Supporting